The following is an entry in ClinVar:

NM_001510.4(GRID2):c.1305G>C (p.Glu435Asp)

Gene: GRID2 (glutamate ionotropic receptor delta type subunit 2; plus strand). Cytogenetic location: 4q22.2.
Variant type: single nucleotide variant.
Coding change: c.1305G>C on transcript NM_001510.4 (MANE Select); coding-DNA position 1305, G replaced by C.
Protein change: p.Glu435Asp; replaces glutamic acid 435 with aspartic acid.
Molecular consequence: missense variant.
Genome position (GRCh38, 1-based): chr4:93,395,666, G>C. VCF-style: chr4-93395666-G-C. GRCh37 (hg19) VCF-style: chr4-94316817-G-C.
Other names: c.1020G>C, p.Glu340Asp (NM_001286838.1); c.1305G>C, p.Glu435Asp (NM_001440459.1); short protein forms E340D, E435D.
Identifiers: ClinVar variation 4082944 (VCV004082944.1).
Genomic context (GRCh38, chr4:93,395,666, plus strand): 5'-GCTTGGTTGCTGGAATCCTGTCACAGGTCTGAATGGGTCACTGACTGACAAGAAATTGGA[G>C]AATAACATGCGTGGAGTGGTTCTACGTGTAGTAACTGTTCTGGTAAGTATTATCTGAGCC-3'
Protein context (NP_001501.2, residues 425-445): LNGSLTDKKL[Glu435Asp]NNMRGVVLRV

ClinVar aggregate classification (germline): Uncertain significance (1 of 4 stars; one submission).

Submission:

GeneDx
Classification: Uncertain significance. Last evaluated: 2025-03-06. Review status: criteria provided, single submitter. Criteria: GeneDx Variant Classification Process June 2021. Collection method: clinical testing. Allele origin: germline. Affected: yes.
Comment: Not observed at significant frequency in large population cohorts (gnomAD); In silico analysis indicates that this missense variant does not alter protein structure/function; Has not been previously published as pathogenic or benign to our knowledge